The following is an entry in ClinVar:

NM_002439.5(MSH3):c.844A>T (p.Thr282Ser)

Gene: MSH3 (mutS homolog 3; plus strand). Cytogenetic location: 5q14.1.
Variant type: single nucleotide variant.
Coding change: c.844A>T on transcript NM_002439.5 (MANE Select); coding-DNA position 844, A replaced by T.
Protein change: p.Thr282Ser; replaces threonine 282 with serine.
Molecular consequence: missense variant.
Genome position (GRCh38, 1-based): chr5:80,672,295, A>T. VCF-style: chr5-80672295-A-T. GRCh37 (hg19) VCF-style: chr5-79968114-A-T.
Other names: c.844A>T (NM_002439.3); short protein forms T282S.
Identifiers: ClinVar variation 1377650 (VCV001377650.7), dbSNP rs2112813785, ClinGen allele CA360267167.

ClinVar aggregate classification (germline): Uncertain significance. Review status: criteria provided, multiple submitters, no conflicts (2 of 4 stars). 2 submissions from 2 submitters: Uncertain significance (2). Last evaluated 2024-09-02.

Conditions:
Hereditary cancer-predisposing syndrome. Also called: Neoplastic Syndromes, Hereditary; Hereditary Cancer Syndrome; Tumor predisposition; Hereditary neoplastic syndrome. Identifiers: Orphanet 140162, MedGen C0027672, MeSH D009386, MONDO:0015356.

Submissions (2):

Ambry Genetics
Classification: Uncertain significance for Hereditary cancer-predisposing syndrome. Last evaluated: 2024-09-02. Review status: criteria provided, single submitter. Criteria: Ambry Variant Classification Scheme 2023. Collection method: clinical testing. Allele origin: germline.
Comment: The p.T282S variant (also known as c.844A>T), located in coding exon 5 of the MSH3 gene, results from an A to T substitution at nucleotide position 844. The threonine at codon 282 is replaced by serine, an amino acid with similar properties. This amino acid position is conserved. In addition, the in silico prediction for this alteration is inconclusive. Based on the available evidence, the clinical significance of this variant remains unclear.

Labcorp Genetics (formerly Invitae), Labcorp
Classification: Uncertain significance. Last evaluated: 2021-08-26. Review status: criteria provided, single submitter. Criteria: Invitae Variant Classification Sherloc (09022015). Collection method: clinical testing. Allele origin: germline.
Comment: In summary, the available evidence is currently insufficient to determine the role of this variant in disease. Therefore, it has been classified as a Variant of Uncertain Significance. Algorithms developed to predict the effect of missense changes on protein structure and function are either unavailable or do not agree on the potential impact of this missense change (SIFT: "Tolerated"; PolyPhen-2: "Possibly Damaging"; Align-GVGD: "Class C0"). This variant has not been reported in the literature in individuals affected with MSH3-related conditions. This variant is not present in population databases (ExAC no frequency). This sequence change replaces threonine with serine at codon 282 of the MSH3 protein (p.Thr282Ser). The threonine residue is highly conserved and there is a small physicochemical difference between threonine and serine.